The following is an entry in ClinVar:

ClinVar aggregate classification (germline): Uncertain significance (1 of 4 stars; one submission).

Allele frequency attached by ClinVar (database versions not stated): gnomAD 0.00006; TOPMed 0.00007; ExAC 0.00008; gnomAD exomes 0.00016.
gnomAD v4.1: 246 of 1,609,470 alleles (0.015%); highest among the groups gnomAD compares: Non-Finnish European, 0.017%; no homozygotes.

Submission:

Labcorp Genetics (formerly Invitae), Labcorp
Classification: Uncertain significance. Last evaluated: 2025-07-07. Review status: criteria provided, single submitter. Criteria: Invitae Variant Classification Sherloc (09022015). Collection method: clinical testing. Allele origin: germline.
Comment: This sequence change falls in intron 7 of the CTBP1 gene. It does not directly change the encoded amino acid sequence of the CTBP1 protein. It affects a nucleotide within the consensus splice site. This variant is present in population databases (rs200372566, gnomAD 0.03%). This variant has not been reported in the literature in individuals affected with CTBP1-related conditions. ClinVar contains an entry for this variant (Variation ID: 2142331). Variants that disrupt the consensus splice site are a relatively common cause of aberrant splicing (PMID: 17576681, 9536098). Algorithms developed to predict the effect of sequence changes on RNA splicing suggest that this variant is not likely to affect RNA splicing. In summary, the available evidence is currently insufficient to determine the role of this variant in disease. Therefore, it has been classified as a Variant of Uncertain Significance.

Literature cited by the submitters: PubMed 17576681; PubMed 9536098.

NM_001012614.2(CTBP1):c.988+6C>T

Genes: CTBP1 (C-terminal binding protein 1; minus strand), CTBP1-AS (CTBP1 antisense RNA; plus strand). Cytogenetic location: 4p16.3.
Variant type: single nucleotide variant.
Coding change: c.988+6C>T on transcript NM_001012614.2 (MANE Select); 6 bases into the intron after coding-DNA position 988, C replaced by T.
Molecular consequence: intron variant.
Genome position (GRCh38, 1-based): chr4:1,213,472, G>A on the plus strand (C>T on the coding strand, the complement: CTBP1 is on the minus strand). VCF-style: chr4-1213472-G-A. GRCh37 (hg19) VCF-style: chr4-1207260-G-A.
Other names: c.988+6C>T (NM_001377192.1, NM_001377189.1, NM_001377193.1 and 4 more transcripts); c.1021+6C>T (NM_001328.3, NM_001377186.1).
Identifiers: ClinVar variation 2142331 (VCV002142331.4), dbSNP rs200372566, ClinGen allele CA2804230.